The following is an entry in ClinVar:

NM_000179.3(MSH6):c.3185G>T (p.Cys1062Phe)

Gene: MSH6 (mutS homolog 6; plus strand). Cytogenetic location: 2p16.3.
Variant type: single nucleotide variant.
Coding change: c.3185G>T on transcript NM_000179.3 (MANE Select); coding-DNA position 3185, G replaced by T.
Protein change: p.Cys1062Phe; replaces cysteine 1062 with phenylalanine.
Molecular consequence: missense variant.
Genome position (GRCh38, 1-based): chr2:47,803,432, G>T. VCF-style: chr2-47803432-G-T. GRCh37 (hg19) VCF-style: chr2-48030571-G-T.
Other names: c.2795G>T, p.Cys932Phe (NM_001281492.2); c.2279G>T, p.Cys760Phe (NM_001281493.2, NM_001281494.2, NM_001406811.1 and 6 more transcripts); c.3281G>T, p.Cys1094Phe (NM_001406795.1, NM_001406802.1); c.3185G>T, p.Cys1062Phe (NM_001406796.1, NM_001406800.1, NM_001406808.1 and 1 more transcripts); c.2888G>T, p.Cys963Phe (NM_001406797.1, NM_001406801.1, NM_001406805.1 and 10 more transcripts); c.2660G>T, p.Cys887Phe (NM_001406799.1, NM_001406806.1, NM_001406807.1); c.2321G>T, p.Cys774Phe (NM_001406803.1); c.3107G>T, p.Cys1036Phe (NM_001406804.1); and 6 more; short protein forms C1062F, C774F, C887F, C1036F, C540F, C760F, C932F, C1006F.
Identifiers: ClinVar variation 1728583 (VCV001728583.2), dbSNP rs1558386797, ClinGen allele CA346757838.

ClinVar aggregate classification (germline): Uncertain significance (1 of 4 stars; one submission).

Conditions:
Hereditary cancer-predisposing syndrome. Also called: Tumor predisposition; Neoplastic Syndromes, Hereditary; Hereditary Cancer Syndrome; Hereditary neoplastic syndrome. Identifiers: Orphanet 140162, MedGen C0027672, MeSH D009386, MONDO:0015356.

Submission:

Ambry Genetics
Classification: Uncertain significance for Hereditary cancer-predisposing syndrome. Last evaluated: 2019-12-10. Review status: criteria provided, single submitter. Criteria: Ambry Variant Classification Scheme 2023. Collection method: clinical testing. Allele origin: germline.
Comment: The p.C1062F variant (also known as c.3185G>T), located in coding exon 5 of the MSH6 gene, results from a G to T substitution at nucleotide position 3185. The cysteine at codon 1062 is replaced by phenylalanine, an amino acid with highly dissimilar properties. This amino acid position is not well conserved in available vertebrate species. In addition, the in silico prediction for this alteration is inconclusive. Since supporting evidence is limited at this time, the clinical significance of this alteration remains unclear.

Literature cited by the submitters: PubMed 26517685.